The following is an entry in ClinVar:

ClinVar aggregate classification (germline): Uncertain significance (1 of 4 stars; one submission).

Conditions:
Cardiovascular phenotype. Identifiers: MedGen CN230736.

Allele frequency attached by ClinVar (database versions not stated): TOPMed below 0.00001.

Submission:

Ambry Genetics
Classification: Uncertain significance for Cardiovascular phenotype. Last evaluated: 2022-10-23. Review status: criteria provided, single submitter. Criteria: Ambry Variant Classification Scheme 2023. Collection method: clinical testing. Allele origin: germline.
Comment: The p.P363R variant (also known as c.1088C>G), located in coding exon 5 of the GATA4 gene, results from a C to G substitution at nucleotide position 1088. The proline at codon 363 is replaced by arginine, an amino acid with dissimilar properties. This amino acid position is conserved. In addition, this alteration is predicted to be deleterious by in silico analysis. Since supporting evidence is limited at this time, the clinical significance of this alteration remains unclear.

NM_001308093.3(GATA4):c.1091C>G (p.Pro364Arg)

Gene: GATA4 (GATA binding protein 4). Cytogenetic location: 8p23.1.
Variant type: single nucleotide variant.
Coding change: c.1091C>G on transcript NM_001308093.3 (MANE Select); coding-DNA position 1091, C replaced by G.
Protein change: p.Pro364Arg; replaces proline 364 with arginine.
Molecular consequence: missense variant.
Genome position (GRCh38, 1-based): chr8:11,757,025, C>G. VCF-style: chr8-11757025-C-G. GRCh37 (hg19) VCF-style: chr8-11614534-C-G.
Other names: c.470C>G, p.Pro157Arg (NM_001308094.2, NM_001374273.1); c.344C>G, p.Pro115Arg (NM_001374274.1); c.1088C>G, p.Pro363Arg (NM_002052.5); short protein forms P115R, P363R, P157R, P364R.
Identifiers: ClinVar variation 1788185 (VCV001788185.2), dbSNP rs1802611145, ClinGen allele CA370315398.